The following is an entry in ClinVar:

ClinVar aggregate classification (germline): Pathogenic (1 of 4 stars; one submission).

Conditions:
Coffin-Siris syndrome 10. Also called: INTELLECTUAL DEVELOPMENTAL DISORDER WITH SPEECH DELAY AND DYSMORPHIC FACIES. Identifiers: MedGen C4760583, MONDO:0032791, OMIM 618506.

Submission:

Institute of Immunology and Genetics Kaiserslautern
Classification: Pathogenic for Coffin-Siris syndrome 10. Last evaluated: 2025-06-06. Review status: criteria provided, single submitter. Criteria: ACMG Guidelines, 2015. Collection method: clinical testing. Allele origin: de novo. Affected: yes.
Comment: ACMG Criteria: PVS1, PS2, PM2; Variant was found in heterozygous state. De novo-status was confirmed via in-house segregation analysis.

NM_003107.3(SOX4):c.1274C>A (p.Ser425Ter)

Gene: SOX4 (SRY-box transcription factor 4; plus strand). Cytogenetic location: 6p22.3.
Variant type: single nucleotide variant.
Coding change: c.1274C>A on transcript NM_003107.3 (MANE Select); coding-DNA position 1274, C replaced by A.
Protein change: p.Ser425Ter; replaces serine 425 with a stop codon.
Molecular consequence: nonsense.
Genome position (GRCh38, 1-based): chr6:21,595,808, C>A. VCF-style: chr6-21595808-C-A. GRCh37 (hg19) VCF-style: chr6-21596039-C-A.
Other names: short protein forms S425*.
Identifiers: ClinVar variation 4074737 (VCV004074737.1).